The following is an entry in ClinVar:

NM_001205293.3(CACNA1E):c.193G>A (p.Val65Ile)

Gene: CACNA1E (calcium voltage-gated channel subunit alpha1 E; plus strand). Cytogenetic location: 1q25.3.
Variant type: single nucleotide variant.
Coding change: c.193G>A on transcript NM_001205293.3 (MANE Select); coding-DNA position 193, G replaced by A.
Protein change: p.Val65Ile; replaces valine 65 with isoleucine.
Molecular consequence: missense variant.
Genome position (GRCh38, 1-based): chr1:181,483,937, G>A. VCF-style: chr1-181483937-G-A. GRCh37 (hg19) VCF-style: chr1-181453073-G-A.
Other names: c.193G>A, p.Val65Ile (NM_000721.4, NM_001205294.2); short protein forms V65I.
Identifiers: ClinVar variation 4690753 (VCV004690753.1).

ClinVar aggregate classification (germline): Uncertain significance (1 of 4 stars; one submission).

gnomAD v4.1: 2 of 1,613,388 alleles (0.00012%); highest among the groups gnomAD compares: Admixed American, 0.0017%; no homozygotes.

Submission:

Labcorp Genetics (formerly Invitae), Labcorp
Classification: Uncertain significance. Last evaluated: 2025-08-09. Review status: criteria provided, single submitter. Criteria: Invitae Variant Classification Sherloc (09022015). Collection method: clinical testing. Allele origin: germline.
Comment: This sequence change replaces valine, which is neutral and non-polar, with isoleucine, which is neutral and non-polar, at codon 65 of the CACNA1E protein (p.Val65Ile). This variant is not present in population databases (gnomAD no frequency). This variant has not been reported in the literature in individuals affected with CACNA1E-related conditions. Invitae Evidence Modeling of protein sequence and biophysical properties (such as structural, functional, and spatial information, amino acid conservation, physicochemical variation, residue mobility, and thermodynamic stability) indicates that this missense variant is expected to disrupt CACNA1E protein function with a positive predictive value of 80%. In summary, the available evidence is currently insufficient to determine the role of this variant in disease. Therefore, it has been classified as a Variant of Uncertain Significance.